The following is an entry in ClinVar:

NM_138927.4(SON):c.5459_5460del (p.Ser1820fs)

Gene: SON (SON DNA and RNA binding protein; plus strand). Cytogenetic location: 21q22.11.
Variant type: Microsatellite.
Coding change: c.5459_5460del on transcript NM_138927.4 (MANE Select); coding-DNA positions 5459 to 5460, 2 bases deleted (CT; older notation c.5459_5460delCT).
Protein change: p.Ser1820fs; shifts the reading frame from serine 1820.
Molecular consequence: frameshift variant. On other transcripts: non-coding transcript variant (1), intron variant (1).
Genome position (GRCh38, 1-based): chr21:33,554,690-33,554,691, CT deleted; deleting any 2 consecutive bases within chr21:33,554,688-33,554,691 gives the same sequence; the c. name uses the placement nearest the transcript's 3' end. VCF-style (leftmost placement, unchanged base first): chr21-33554687-ACT-A. GRCh37 (hg19) VCF-style: chr21-34926993-ACT-A.
Other names: c.5459_5460del, p.Ser1820fs (NM_001291411.2, NM_032195.3); c.245-2466_245-2465del (NM_001291412.3); short protein forms S1820fs.
Identifiers: ClinVar variation 1215480 (VCV001215480.3), dbSNP rs2145838146, ClinGen allele CA2580616378.

ClinVar aggregate classification (germline): Pathogenic (1 of 4 stars; one submission).

Submission:

GeneDx
Classification: Pathogenic. Last evaluated: 2021-06-04. Review status: criteria provided, single submitter. Criteria: GeneDx Variant Classification Process June 2021. Collection method: clinical testing. Allele origin: germline. Affected: yes.
Comment: Frameshift variant predicted to result in protein truncation or nonsense mediated decay in a gene for which loss-of-function is a known mechanism of disease; Not observed at significant frequency in large population cohorts (Lek et al., 2016); Has not been previously published as pathogenic or benign to our knowledge; This variant is associated with the following publications: (PMID: 27535533)